The following is an entry in ClinVar:

ClinVar aggregate classification (germline): Uncertain significance (1 of 4 stars; one submission).

Conditions:
POLD1-related polyposis and colorectal cancer syndrome (CRCS10). Also called: Colorectal cancer 10; COLORECTAL CANCER, SUSCEPTIBILITY TO, ON CHROMOSOME 19q; Colorectal cancer, susceptibility to, 10. Identifiers: Orphanet 220460, MedGen C2675481, MONDO:0012953, OMIM 612591.

Submission:

Labcorp Genetics (formerly Invitae), Labcorp
Classification: Uncertain significance for POLD1-related polyposis and colorectal cancer syndrome. Last evaluated: 2020-10-01. Review status: criteria provided, single submitter. Criteria: Invitae Variant Classification Sherloc (09022015). Collection method: clinical testing. Allele origin: germline.
Comment: Missense variants that disrupt the 3'-5' exonuclease (proof-reading) activity of the POLD1 protein, are associated with an increased risk for colonic adenomatous polyps and colon cancer (PMID: 23263490, 23447401). However loss-of-function variants, which result in an absent or severely disrupted POLD1 protein, and missense variants outside the exonuclease domain, are unlikely to be associated with polyposis or colon cancer. Without further clinical and genetic evidence, this variant has been classified as a Variant of Uncertain Significance. Algorithms developed to predict the effect of sequence changes on RNA splicing suggest that this variant may disrupt the consensus splice site, but this prediction has not been confirmed by published transcriptional studies. This variant has not been reported in the literature in individuals with POLD1-related conditions. This variant is not present in population databases (ExAC no frequency). This sequence change affects an acceptor splice site in intron 19 of the POLD1 gene. It is expected to disrupt RNA splicing and likely results in an absent or disrupted protein product.

Literature cited by the submitters: PubMed 23263490; PubMed 23447401.

NM_002691.4(POLD1):c.2389-1G>C

Gene: POLD1 (DNA polymerase delta 1, catalytic subunit; plus strand). Cytogenetic location: 19q13.33.
Variant type: single nucleotide variant.
Coding change: c.2389-1G>C on transcript NM_002691.4 (MANE Select); the canonical splice acceptor site of the intron before coding-DNA position 2389, G replaced by C.
Molecular consequence: splice acceptor variant.
Genome position (GRCh38, 1-based): chr19:50,414,814, G>C. VCF-style: chr19-50414814-G-C. GRCh37 (hg19) VCF-style: chr19-50918071-G-C.
Other names: c.2389-1G>C (NM_001256849.1); c.2467-1G>C (NM_001308632.1).
Identifiers: ClinVar variation 1041406 (VCV001041406.9), dbSNP rs2039213576, ClinGen allele CA406984493.
Genomic context (GRCh38, chr19:50,414,814, plus strand): 5'-CGTCTCCAGATTGGGGCTTGGCCTCCTCAGGCTCAGGGTCTTGGCCATGGCTCCCTCCCA[G>C]GTCTACTTCCCATACCTGCTTATCAGCAAGAAGCGCTACGCGGGCCTGCTCTTCTCCTCC-3'